The following is an entry in ClinVar:

ClinVar aggregate classification (germline): Pathogenic (1 of 4 stars; one submission).

Conditions:
BBS10-related disorder. Also called: BBS10-related condition.

Submission:

PreventionGenetics, part of Exact Sciences
Classification: Pathogenic for BBS10-related condition. Last evaluated: 2024-11-18. Review status: criteria provided, single submitter. Criteria: ACMG Guidelines, 2015. Collection method: clinical testing. Allele origin: germline.
Comment: The BBS10 c.581dupT variant is predicted to result in a frameshift and premature protein termination (p.Met194Ilefs*3). To our knowledge, this variant has not been reported in the literature or in a large population database (gnomAD), indicating this variant is rare. Frameshift variants in BBS10 are expected to be pathogenic. This variant is interpreted as pathogenic.

NM_024685.4(BBS10):c.581dup (p.Met194fs)

Gene: BBS10 (Bardet-Biedl syndrome 10; minus strand). Cytogenetic location: 12q21.2.
Variant type: Duplication.
Coding change: c.581dup on transcript NM_024685.4 (MANE Select); coding-DNA position 581, one base duplicated (T; older notation c.581dupT).
Protein change: p.Met194fs; shifts the reading frame from methionine 194.
Molecular consequence: frameshift variant.
Genome position (GRCh38, 1-based): chr12:76,347,404, A duplicated on the plus strand (T on the coding strand, the reverse complement: BBS10 is on the minus strand). VCF-style (leftmost placement, unchanged base first): chr12-76347403-C-CA. GRCh37 (hg19) VCF-style: chr12-76741183-C-CA.
Other names: short protein forms M194fs.
Identifiers: ClinVar variation 5001887 (VCV005001887.1).